The following is an entry in ClinVar:

ClinVar aggregate classification (germline): Uncertain significance (1 of 4 stars; one submission).

Submission:

GeneDx
Classification: Uncertain significance. Last evaluated: 2024-02-23. Review status: criteria provided, single submitter. Criteria: GeneDx Variant Classification Process June 2021. Collection method: clinical testing. Allele origin: germline. Affected: yes.
Comment: Not observed at significant frequency in large population cohorts (gnomAD); In silico analysis supports that this missense variant does not alter protein structure/function; Has not been previously published as pathogenic or benign to our knowledge

NM_001321075.3(DLG4):c.56C>A (p.Thr19Lys)

Gene: DLG4 (discs large MAGUK scaffold protein 4; minus strand). Cytogenetic location: 17p13.1.
Variant type: single nucleotide variant.
Coding change: c.56C>A on transcript NM_001321075.3 (MANE Select); coding-DNA position 56, C replaced by A.
Protein change: p.Thr19Lys; replaces threonine 19 with lysine.
Molecular consequence: missense variant. On other transcripts: non-coding transcript variant (1).
Genome position (GRCh38, 1-based): chr17:7,208,214, G>T on the plus strand (C>A on the coding strand, the complement: DLG4 is on the minus strand). VCF-style: chr17-7208214-G-T. GRCh37 (hg19) VCF-style: chr17-7111533-G-T.
Other names: c.56C>A, p.Thr19Lys (NM_001128827.4); c.185C>A, p.Thr62Lys (NM_001321074.1, NM_001365.5); short protein forms T19K, T62K.
Identifiers: ClinVar variation 3369542 (VCV003369542.1).